The following is an entry in ClinVar:

ClinVar aggregate classification (germline): Conflicting classifications of pathogenicity. Review status: criteria provided, conflicting classifications (1 of 4 stars). 9 submissions from 9 submitters: Pathogenic (1); Likely pathogenic (1); Uncertain significance (6). 1 of the submissions does not count toward it. Last evaluated 2026-09-17.

Conditions:
SLC22A5-related disorder. Also called: SLC22A5-related condition.
Decreased circulating carnitine concentration. Also called: Decreased plasma carnitine. Identifiers: MedGen C5848230, HP:0003234.
Renal carnitine transport defect (CDSP). Also called: CARNITINE DEFICIENCY, SYSTEMIC, DUE TO DEFECT IN RENAL REABSORPTION OF CARNITINE; CARNITINE TRANSPORTER, PLASMA-MEMBRANE, DEFICIENCY OF; CARNITINE UPTAKE DEFECT; Systemic primary carnitine deficiency; Primary carnitine deficiency; Carnitine transporter deficiency. Identifiers: Orphanet 158, MedGen C0342788, MONDO:0008919, OMIM 212140.

Allele frequency attached by ClinVar (database versions not stated): ExAC below 0.00001; gnomAD exomes 0.00002 and 0.00004; gnomAD 0.00036 and 0.00039; 1000 Genomes Project 0.00040; 1000 Genomes Project 30x 0.00062; TOPMed 0.00067.
gnomAD v4.1: 89 of 1,576,526 alleles (0.0056%); highest among the groups gnomAD compares: Admixed American, 0.088%; 1 homozygote.

Submissions (9):

PreventionGenetics, part of Exact Sciences
Classification: Uncertain significance for SLC22A5-related condition. Last evaluated: 2026-09-17. Review status: criteria provided, single submitter. Criteria: ACMG Guidelines, 2015. Collection method: clinical testing. Allele origin: germline.
Comment: The SLC22A5 c.272A>G variant is predicted to result in the amino acid substitution p.Asn91Ser. To our knowledge, this variant has not been reported in the literature in individuals with SLC22A5-related disorders. In vitro functional studies suggest this reduces protein function to ~42% compared to control (Koleske et al. 2022. PubMed ID: 36343260). This variant is reported in 0.028% of alleles in individuals of African descent in gnomAD. At this time, the clinical significance of this variant is uncertain due to the absence of conclusive functional and genetic evidence.

Labcorp Genetics (formerly Invitae), Labcorp
Classification: Pathogenic for Renal carnitine transport defect. Last evaluated: 2026-01-14. Review status: criteria provided, single submitter. Criteria: Invitae Variant Classification Sherloc (09022015). Collection method: clinical testing. Allele origin: germline.
Comment: This sequence change replaces asparagine, which is neutral and polar, with serine, which is neutral and polar, at codon 91 of the SLC22A5 protein (p.Asn91Ser). This variant is present in population databases (rs546442503, gnomAD 0.03%). This missense change has been observed in individual(s) with primary carnitine deficiency (internal data). In at least one individual the data is consistent with being in trans (on the opposite chromosome) from a pathogenic variant. ClinVar contains an entry for this variant (Variation ID: 460405). Invitae Evidence Modeling of protein sequence and biophysical properties (such as structural, functional, and spatial information, amino acid conservation, physicochemical variation, residue mobility, and thermodynamic stability) has been performed for this missense variant. However, the output from this modeling did not meet the statistical confidence thresholds required to predict the impact of this variant on SLC22A5 protein function. For these reasons, this variant has been classified as Pathogenic.

Women's Health and Genetics/Laboratory Corporation of America, LabCorp
Classification: Likely pathogenic for Renal carnitine transport defect. Last evaluated: 2025-08-15. Review status: criteria provided, single submitter. Criteria: LabCorp Variant Classification Summary - May 2015. Collection method: clinical testing. Allele origin: germline.
Comment: Variant summary: SLC22A5 c.272A>G (p.Asn91Ser) results in a conservative amino acid change located in the Major facilitator superfamily domain (IPR020846) of the encoded protein sequence. Algorithms developed to predict the effect of missense changes on protein structure and function are either unavailable or do not agree on the potential impact of this missense change. The variant allele was found at a frequency of 3.9e-05 in 179466 control chromosomes. c.272A>G has been observed in individual(s) affected with Systemic Primary Carnitine Deficiency (Pochini_2019; internal data). These data indicate that the variant may be associated with disease. At least one publication reports experimental evidence evaluating an impact on protein function. The most pronounced variant effect results in moderately reduced carnitine transport activity in HEK293 cells (Koleske_2022). The following publications have been ascertained in the context of this evaluation (PMID: 36343260, 30523710). ClinVar contains an entry for this variant (Variation ID: 460405). Based on the evidence outlined above, the variant was classified as likely pathogenic.

Mayo Clinic Laboratories, Mayo Clinic
Classification: Uncertain significance. Last evaluated: 2024-08-02. Review status: criteria provided, single submitter. Criteria: ACMG Guidelines, 2015. Collection method: clinical testing. Allele origin: germline. Observed: 2 variant alleles.

Giacomini Lab, University of California, San Francisco
Classification: Uncertain significance for Renal carnitine transport defect. Last evaluated: 2022-10-03. Review status: criteria provided, single submitter. Criteria: ACMG Guidelines, 2015. Collection method: research, in vitro. Allele origin: germline, not applicable.

GeneDx
Classification: Uncertain significance. Last evaluated: 2021-12-02. Review status: criteria provided, single submitter. Criteria: GeneDx Variant Classification Process June 2021. Collection method: clinical testing. Allele origin: germline. Affected: yes.
Comment: In silico analysis, which includes protein predictors and evolutionary conservation, supports a deleterious effect; Has not been previously published as pathogenic or benign to our knowledge

Genome-Nilou Lab
Classification: Uncertain significance for Renal carnitine transport defect. Last evaluated: 2021-07-15. Review status: criteria provided, single submitter. Criteria: ACMG Guidelines, 2015. Collection method: clinical testing. Allele origin: germline. Affected: no.

Illumina Laboratory Services, Illumina
Classification: Uncertain significance for Renal carnitine transport defect. Last evaluated: 2018-01-12. Review status: criteria provided, single submitter. Criteria: ICSL Variant Classification Criteria 13 December 2019. Collection method: clinical testing. Allele origin: germline.

Natera, Inc.
Classification: Uncertain significance for Carnitine deficiency. Last evaluated: 2020-10-16. Review status: no assertion criteria provided. Collection method: clinical testing. Allele origin: germline. Not counted in ClinVar's aggregate classification.

Literature cited by the submitters: PubMed 36343260 (cited by Women's Health and Genetics/Laboratory Corporation of America, LabCorp); PubMed 30523710 (cited by Women's Health and Genetics/Laboratory Corporation of America, LabCorp).

NM_003060.4(SLC22A5):c.272A>G (p.Asn91Ser)

Gene: SLC22A5 (solute carrier family 22 member 5; plus strand). Cytogenetic location: 5q31.1.
Variant type: single nucleotide variant.
Coding change: c.272A>G on transcript NM_003060.4 (MANE Select); coding-DNA position 272, A replaced by G.
Protein change: p.Asn91Ser; replaces asparagine 91 with serine.
Molecular consequence: missense variant.
Genome position (GRCh38, 1-based): chr5:132,370,244, A>G. VCF-style: chr5-132370244-A-G. GRCh37 (hg19) VCF-style: chr5-131705936-A-G.
Other names: p.Asn91Ser; c.272A>G, p.Asn91Ser (NM_001308122.2); short protein forms N91S.
Identifiers: ClinVar variation 460405 (VCV000460405.30), dbSNP rs546442503, ClinGen allele CA3403831.